The following is an entry in ClinVar:

NM_001374353.1(GLI2):c.3816A>G (p.Ala1272=)

Gene: GLI2 (GLI family zinc finger 2; plus strand). Cytogenetic location: 2q14.2.
Variant type: single nucleotide variant.
Coding change: c.3816A>G on transcript NM_001374353.1 (MANE Select); coding-DNA position 3816, A replaced by G.
Protein change: p.Ala1272=; no amino-acid change (alanine 1272 retained).
Molecular consequence: synonymous variant.
Genome position (GRCh38, 1-based): chr2:120,989,781, A>G. VCF-style: chr2-120989781-A-G. GRCh37 (hg19) VCF-style: chr2-121747357-A-G.
Other names: c.3867A>G, p.Ala1289= (NM_001371271.1, NM_005270.5); c.3441A>G, p.Ala1147= (NM_001374354.1).
Identifiers: ClinVar variation 720585 (VCV000720585.5), dbSNP rs766588486, ClinGen allele CA1852494.
Genomic context (GRCh38, chr2:120,989,781, plus strand): 5'-CTGCAGCAACATGCCAGCCAAGCCAGGGCATCTGGGGCACCCTCAGCAGACAGAAGTGGC[A>G]CCTGACCCCACCACGATGGGCAATCGCCACAGGGAACTTGGGGTCCCCGATTCAGCCCTG-3'
Protein context (NP_001361282.1, residues 1262-1282): HLGHPQQTEV[Ala1272=]PDPTTMGNRH

ClinVar aggregate classification (germline): Likely benign. Review status: criteria provided, single submitter (1 of 4 stars). 2 submissions from 2 submitters: Likely benign (1). 1 of the submissions does not count toward it. Last evaluated 2018-01-30.

Conditions:
GLI2-related disorder. Also called: GLI2-related condition; GLI2-related disorders.

Allele frequency attached by ClinVar (database versions not stated): gnomAD exomes 0.00001; gnomAD 0.00003 and 0.00004; TOPMed 0.00006; ExAC 0.00002.
gnomAD v4.1: 18 of 1,610,788 alleles (0.0011%); highest among the groups gnomAD compares: African/African-American, 0.013%; no homozygotes.

Submissions (2):

Labcorp Genetics (formerly Invitae), Labcorp
Classification: Likely benign. Last evaluated: 2018-01-30. Review status: criteria provided, single submitter. Criteria: Invitae Variant Classification Sherloc (09022015). Collection method: clinical testing. Allele origin: germline.

PreventionGenetics, part of Exact Sciences
Classification: Likely benign for GLI2-related condition. Last evaluated: 2020-11-24. Review status: no assertion criteria provided. Collection method: clinical testing. Allele origin: germline. Not counted in ClinVar's aggregate classification.
Comment: This variant is classified as likely benign based on ACMG/AMP sequence variant interpretation guidelines (Richards et al. 2015 PMID: 25741868, with internal and published modifications).